The following is an entry in ClinVar:

NM_004706.4(ARHGEF1):c.23C>T (p.Ala8Val)

Gene: ARHGEF1 (Rho guanine nucleotide exchange factor 1; plus strand). Cytogenetic location: 19q13.2.
Variant type: single nucleotide variant.
Coding change: c.23C>T on transcript NM_004706.4 (MANE Select); coding-DNA position 23, C replaced by T.
Protein change: p.Ala8Val; replaces alanine 8 with valine.
Molecular consequence: missense variant. On other transcripts: non-coding transcript variant (2).
Genome position (GRCh38, 1-based): chr19:41,888,105, C>T. VCF-style: chr19-41888105-C-T. GRCh37 (hg19) VCF-style: chr19-42392176-C-T.
Other names: c.23C>T, p.Ala8Val (NM_001396000.1, NM_001396002.1, NM_001396003.1 and 3 more transcripts); c.68C>T, p.Ala23Val (NM_199002.2); short protein forms A23V, A8V.
Identifiers: ClinVar variation 1912081 (VCV001912081.5), dbSNP rs370219647, ClinGen allele CA9465745.

ClinVar aggregate classification (germline): Uncertain significance (1 of 4 stars; one submission).

Allele frequency attached by ClinVar (database versions not stated): ExAC 0.00004; gnomAD 0.00005; ESP Exome Variant Server 0.00008; TOPMed 0.00008.
gnomAD v4.1: 27 of 1,613,744 alleles (0.0017%); highest among the groups gnomAD compares: East Asian, 0.013%; no homozygotes.

Submission:

Labcorp Genetics (formerly Invitae), Labcorp
Classification: Uncertain significance. Last evaluated: 2024-11-04. Review status: criteria provided, single submitter. Criteria: Invitae Variant Classification Sherloc (09022015). Collection method: clinical testing. Allele origin: germline.
Comment: This sequence change replaces alanine, which is neutral and non-polar, with valine, which is neutral and non-polar, at codon 23 of the ARHGEF1 protein (p.Ala23Val). The frequency data for this variant in the population databases is considered unreliable, as metrics indicate poor data quality at this position in the gnomAD database. This variant has not been reported in the literature in individuals affected with ARHGEF1-related conditions. ClinVar contains an entry for this variant (Variation ID: 1912081). An algorithm developed to predict the effect of missense changes on protein structure and function outputs the following: PolyPhen-2: "Benign". The valine amino acid residue is found in multiple mammalian species, which suggests that this missense change does not adversely affect protein function. In summary, the available evidence is currently insufficient to determine the role of this variant in disease. Therefore, it has been classified as a Variant of Uncertain Significance.